The following is an entry in ClinVar:

NM_182641.4(BPTF):c.1633A>C (p.Asn545His)

Gene: BPTF (bromodomain PHD finger transcription factor; plus strand). Cytogenetic location: 17q24.2.
Variant type: single nucleotide variant.
Coding change: c.1633A>C on transcript NM_182641.4 (MANE Select); coding-DNA position 1633, A replaced by C.
Protein change: p.Asn545His; replaces asparagine 545 with histidine.
Molecular consequence: missense variant.
Genome position (GRCh38, 1-based): chr17:67,866,660, A>C. VCF-style: chr17-67866660-A-C. GRCh37 (hg19) VCF-style: chr17-65862776-A-C.
Other names: c.1633A>C, p.Asn545His (NM_004459.7); short protein forms N545H.
Identifiers: ClinVar variation 3029276 (VCV003029276.2), dbSNP rs2510286923, ClinGen allele CA400714073.

ClinVar aggregate classification (germline): Uncertain significance (0 of 4 stars; one submission).

Conditions:
BPTF-related disorder. Also called: BPTF-related condition.

Submission:

PreventionGenetics, part of Exact Sciences
Classification: Uncertain significance for BPTF-related condition. Last evaluated: 2023-11-22. Review status: no assertion criteria provided. Collection method: clinical testing. Allele origin: germline.
Comment: The BPTF c.1633A>C variant is predicted to result in the amino acid substitution p.Asn545His. To our knowledge, this variant has not been reported in the literature or in a large population database, indicating this variant is rare. At this time, the clinical significance of this variant is uncertain due to the absence of conclusive functional and genetic evidence.